The following is an entry in ClinVar:

ClinVar aggregate classification (germline): Uncertain significance (1 of 4 stars; one submission).

Submission:

Labcorp Genetics (formerly Invitae), Labcorp
Classification: Uncertain significance. Last evaluated: 2023-07-11. Review status: criteria provided, single submitter. Criteria: Invitae Variant Classification Sherloc (09022015). Collection method: clinical testing. Allele origin: germline.
Comment: This variant is not present in population databases (gnomAD no frequency). This sequence change replaces isoleucine, which is neutral and non-polar, with serine, which is neutral and polar, at codon 318 of the TERF2IP protein (p.Ile318Ser). In summary, the available evidence is currently insufficient to determine the role of this variant in disease. Therefore, it has been classified as a Variant of Uncertain Significance. An algorithm developed to predict the effect of missense changes on protein structure and function (PolyPhen-2) suggests that this variant is likely to be disruptive. This variant has not been reported in the literature in individuals affected with TERF2IP-related conditions.

NM_018975.4(TERF2IP):c.953T>G (p.Ile318Ser)

Gene: TERF2IP (TERF2 interacting protein; plus strand). Cytogenetic location: 16q23.1.
Variant type: single nucleotide variant.
Coding change: c.953T>G on transcript NM_018975.4 (MANE Select); coding-DNA position 953, T replaced by G.
Protein change: p.Ile318Ser; replaces isoleucine 318 with serine.
Molecular consequence: missense variant. On other transcripts: non-coding transcript variant (1).
Genome position (GRCh38, 1-based): chr16:75,656,364, T>G. VCF-style: chr16-75656364-T-G. GRCh37 (hg19) VCF-style: chr16-75690262-T-G.
Other names: short protein forms I318S.
Identifiers: ClinVar variation 2741667 (VCV002741667.3), dbSNP rs2507089474, ClinGen allele CA396819946.